The following is an entry in ClinVar:

ClinVar aggregate classification (germline): Conflicting classifications of pathogenicity. Review status: criteria provided, conflicting classifications (1 of 4 stars). 6 submissions from 6 submitters: Uncertain significance (5); Likely benign (1). Last evaluated 2026-05-28.

Conditions:
Familial thoracic aortic aneurysm and aortic dissection (TAAD). Also called: Thoracic aortic aneurysms and dissections. Identifiers: Orphanet 91387, MedGen C4707243, MONDO:0019625.
Hereditary cancer-predisposing syndrome. Also called: Hereditary Cancer Syndrome; Tumor predisposition; Hereditary neoplastic syndrome; Neoplastic Syndromes, Hereditary. Identifiers: Orphanet 140162, MedGen C0027672, MeSH D009386, MONDO:0015356.
Juvenile polyposis syndrome (JPS). Identifiers: Orphanet 2929, MedGen C0345893, MONDO:0017380, OMIM 174900.
Juvenile polyposis/hereditary hemorrhagic telangiectasia syndrome (JPHT). Also called: POLYPOSIS, GENERALIZED JUVENILE, WITH PULMONARY ARTERIOVENOUS MALFORMATION; TELANGIECTASIA, HEREDITARY HEMORRHAGIC, WITH JUVENILE POLYPOSIS COLI; JP/HHT SYNDROME; JUVENILE POLYPOSIS WITH HEREDITARY HEMORRHAGIC TELANGIECTASIA; Juvenile Polyposis Syndrome / Hereditary Hemorrhagic Telangiectasia (JPS/HHT). Identifiers: Orphanet 2929, MedGen C1832942, MONDO:0008278, OMIM 175050.

Allele frequency attached by ClinVar (database versions not stated): TOPMed below 0.00001; gnomAD 0.00003.

Submissions (6):

Ambry Genetics
Classification: Uncertain significance for Hereditary cancer-predisposing syndrome; Familial thoracic aortic aneurysm and aortic dissection. Last evaluated: 2026-05-28. Review status: criteria provided, single submitter. Criteria: Ambry Variant Classification Scheme 2023. Collection method: clinical testing. Allele origin: germline.
Comment: The p.H111P variant (also known as c.332A>C), located in coding exon 2 of the SMAD4 gene, results from an A to C substitution at nucleotide position 332. The histidine at codon 111 is replaced by proline, an amino acid with similar properties. This variant was detected in individual(s) with no reported features of juvenile polyposis/hereditary hemorrhagic telangiectasia syndrome (Ambry internal data). This amino acid position is highly conserved in available vertebrate species. In addition, this alteration is predicted to be deleterious by in silico analysis. Based on the available evidence, the clinical significance of this variant remains unclear.

Labcorp Genetics (formerly Invitae), Labcorp
Classification: Likely benign for Juvenile polyposis syndrome. Last evaluated: 2025-09-18. Review status: criteria provided, single submitter. Criteria: Invitae Variant Classification Sherloc (09022015). Collection method: clinical testing. Allele origin: germline.

GeneDx
Classification: Uncertain significance. Last evaluated: 2024-11-18. Review status: criteria provided, single submitter. Criteria: GeneDx Variant Classification Process June 2021. Collection method: clinical testing. Allele origin: germline. Affected: yes.
Comment: Not observed at significant frequency in large population cohorts (gnomAD); In silico analysis supports that this missense variant has a deleterious effect on protein structure/function; Has not been previously published as pathogenic or benign to our knowledge; This variant is associated with the following publications: (PMID: 15235019, 18823382, 22992590)

Color Diagnostics, LLC DBA Color Health
Classification: Uncertain significance for Hereditary cancer-predisposing syndrome. Last evaluated: 2024-03-06. Review status: criteria provided, single submitter. Criteria: ACMG Guidelines, 2015. Collection method: clinical testing. Allele origin: germline.
Comment: This missense variant replaces histidine with proline at codon 111 of the SMAD4 protein. Computational prediction is inconclusive regarding the impact of this variant on protein structure and function (internally defined REVEL score threshold 0.5 < inconclusive < 0.7, PMID: 27666373). Splice site prediction tools suggest that this variant may not impact RNA splicing. To our knowledge, functional studies have not been performed for this variant. This variant has not been reported in individuals affected with hereditary cancer in the literature. This variant has been identified in 1/31402 chromosomes in the general population by the Genome Aggregation Database (gnomAD). The available evidence is insufficient to determine the role of this variant in disease conclusively. Therefore, this variant is classified as a Variant of Uncertain Significance.

Baylor Genetics
Classification: Uncertain significance for Juvenile polyposis/hereditary hemorrhagic telangiectasia syndrome. Last evaluated: 2023-11-22. Review status: criteria provided, single submitter. Criteria: ACMG Guidelines, 2015. Collection method: clinical testing. Allele origin: unknown.

ARUP Laboratories, Molecular Genetics and Genomics, ARUP Laboratories
Classification: Uncertain significance. Last evaluated: 2017-10-12. Review status: criteria provided, single submitter. Criteria: ARUP Molecular Germline Variant Investigation Process. Collection method: clinical testing. Allele origin: germline.

NM_005359.6(SMAD4):c.332A>C (p.His111Pro)

Gene: SMAD4 (SMAD family member 4; plus strand). Cytogenetic location: 18q21.2.
Variant type: single nucleotide variant.
Coding change: c.332A>C on transcript NM_005359.6 (MANE Select); coding-DNA position 332, A replaced by C.
Protein change: p.His111Pro; replaces histidine 111 with proline.
Molecular consequence: missense variant.
Genome position (GRCh38, 1-based): chr18:51,048,768, A>C. VCF-style: chr18-51048768-A-C. GRCh37 (hg19) VCF-style: chr18-48575138-A-C.
Other names: short protein forms H111P.
Identifiers: ClinVar variation 420231 (VCV000420231.32), dbSNP rs1064794363, ClinGen allele CA16620700.
Genomic context (GRCh38, chr18:51,048,768, plus strand): 5'-CTCATGTGATCTATGCCCGTCTCTGGAGGTGGCCTGATCTTCACAAAAATGAACTAAAAC[A>C]TGTTAAATATTGTCAGTATGCGTTTGACTTAAAATGTGATAGTGTCTGTGTGAATCCATA-3'
Protein context (NP_005350.1, residues 101-121): WPDLHKNELK[His111Pro]VKYCQYAFDL